The following is an entry in ClinVar:

ClinVar aggregate classification (germline): Likely benign. Review status: criteria provided, multiple submitters, no conflicts (2 of 4 stars). 2 submissions from 2 submitters: Likely benign (2). Last evaluated 2024-07-11.

gnomAD v4.1: 37 of 1,612,136 alleles (0.0023%); highest among the groups gnomAD compares: Middle Eastern, 0.033%; no homozygotes.

Submissions (2):

Blueprint Genetics
Classification: Likely benign. Last evaluated: 2024-07-11. Review status: criteria provided, single submitter. Criteria: ACMG Guidelines, 2015. Collection method: clinical testing. Allele origin: germline.

CeGaT Center for Human Genetics Tuebingen
Classification: Likely benign. Last evaluated: 2024-07-01. Review status: criteria provided, single submitter. Criteria: CeGaT Center For Human Genetics Tuebingen Variant Classification Criteria Version 2. Collection method: clinical testing. Allele origin: germline. Affected: yes. Observed: 1 variant allele.
Comment: ABCA2: BP4, BP7

NM_001606.5(ABCA2):c.3369A>G (p.Thr1123=)

Gene: ABCA2 (ATP binding cassette subfamily A member 2; minus strand). Cytogenetic location: 9q34.3.
Variant type: single nucleotide variant.
Coding change: c.3369A>G on transcript NM_001606.5 (MANE Select); coding-DNA position 3369, A replaced by G.
Protein change: p.Thr1123=; no amino-acid change (threonine 1123 retained).
Molecular consequence: synonymous variant.
Genome position (GRCh38, 1-based): chr9:137,015,820, T>C on the plus strand (A>G on the coding strand, the complement: ABCA2 is on the minus strand). VCF-style: chr9-137015820-T-C. GRCh37 (hg19) VCF-style: chr9-139910272-T-C.
Other names: c.3366A>G, p.Thr1122= (NM_001411042.1); c.3459A>G, p.Thr1153= (NM_212533.3).
Identifiers: ClinVar variation 3257098 (VCV003257098.18).